The following is an entry in ClinVar:

NM_015662.3(IFT172):c.4598C>T (p.Thr1533Met)

Gene: IFT172 (intraflagellar transport 172; minus strand). Cytogenetic location: 2p23.3.
Variant type: single nucleotide variant.
Coding change: c.4598C>T on transcript NM_015662.3 (MANE Select); coding-DNA position 4598, C replaced by T.
Protein change: p.Thr1533Met; replaces threonine 1533 with methionine.
Molecular consequence: missense variant.
Genome position (GRCh38, 1-based): chr2:27,447,576, G>A on the plus strand (C>T on the coding strand, the complement: IFT172 is on the minus strand). VCF-style: chr2-27447576-G-A. GRCh37 (hg19) VCF-style: chr2-27670443-G-A.
Other names: c.4598C>T (NM_015662.1, NM_015662.2); short protein forms T1533M.
Identifiers: ClinVar variation 1388327 (VCV001388327.7), dbSNP rs202181028, ClinGen allele CA1579547.

ClinVar aggregate classification (germline): Uncertain significance. Review status: criteria provided, multiple submitters, no conflicts (2 of 4 stars). 5 submissions from 5 submitters: Uncertain significance (5). Last evaluated 2026-03-13.

Conditions:
Retinitis pigmentosa 71 (RP71). Identifiers: Orphanet 791, MedGen C4225342, MONDO:0014618, OMIM 616394.
Short-rib thoracic dysplasia 10 with or without polydactyly (SRTD10). Identifiers: Orphanet 474, MedGen C3810175, MONDO:0014284, OMIM 615630.
IFT172-related disorder. Also called: IFT172-related disorders; IFT172-related condition.
Inborn genetic diseases. Identifiers: MedGen C0950123, MeSH D030342.
Bardet-Biedl syndrome 20. Identifiers: MedGen C4310707, MONDO:0023670, OMIM 619471, MONDO:0014926.

Allele frequency attached by ClinVar (database versions not stated): TOPMed 0.00001; gnomAD exomes 0.00002 and 0.00005; gnomAD 0.00003 and 0.00004; ExAC 0.00008; 1000 Genomes Project 0.00020; 1000 Genomes Project 30x 0.00031.
gnomAD v4.1: 37 of 1,614,158 alleles (0.0023%); highest among the groups gnomAD compares: South Asian, 0.013%; no homozygotes.

Submissions (5):

PreventionGenetics, part of Exact Sciences
Classification: Uncertain significance for IFT172-related condition. Last evaluated: 2026-03-13. Review status: criteria provided, single submitter. Criteria: ACMG Guidelines, 2015. Collection method: clinical testing. Allele origin: germline.
Comment: The IFT172 c.4598C>T variant is predicted to result in the amino acid substitution p.Thr1533Met. To our knowledge, this variant has not been reported in the literature. This variant is reported in 0.016% of alleles in individuals of South Asian descent in gnomAD. At this time, the clinical significance of this variant is uncertain due to the absence of conclusive functional and genetic evidence.

Ambry Genetics
Classification: Uncertain significance for Inborn genetic diseases. Last evaluated: 2024-08-19. Review status: criteria provided, single submitter. Criteria: Ambry Variant Classification Scheme 2023. Collection method: clinical testing. Allele origin: germline.

Fulgent Genetics
Classification: Uncertain significance for Short-rib thoracic dysplasia 10 with or without polydactyly; Retinitis pigmentosa 71; Bardet-Biedl syndrome 20. Last evaluated: 2024-01-10. Review status: criteria provided, single submitter. Criteria: ACMG Guidelines, 2015. Collection method: clinical testing. Allele origin: germline.

Labcorp Genetics (formerly Invitae), Labcorp
Classification: Uncertain significance for Retinitis pigmentosa 71; Short-rib thoracic dysplasia 10 with or without polydactyly. Last evaluated: 2022-08-18. Review status: criteria provided, single submitter. Criteria: Invitae Variant Classification Sherloc (09022015). Collection method: clinical testing. Allele origin: germline.
Comment: This sequence change replaces threonine, which is neutral and polar, with methionine, which is neutral and non-polar, at codon 1533 of the IFT172 protein (p.Thr1533Met). This variant is present in population databases (rs202181028, gnomAD 0.02%). This variant has not been reported in the literature in individuals affected with IFT172-related conditions. ClinVar contains an entry for this variant (Variation ID: 1388327). Algorithms developed to predict the effect of missense changes on protein structure and function output the following: SIFT: "Tolerated"; PolyPhen-2: "Benign"; Align-GVGD: "Class C0". The methionine amino acid residue is found in multiple mammalian species, which suggests that this missense change does not adversely affect protein function. In summary, the available evidence is currently insufficient to determine the role of this variant in disease. Therefore, it has been classified as a Variant of Uncertain Significance.

Blueprint Genetics
Classification: Uncertain significance. Last evaluated: 2021-06-18. Review status: criteria provided, single submitter. Criteria: ACMG Guidelines, 2015. Collection method: clinical testing. Allele origin: germline.